The following is an entry in ClinVar:

NM_000152.5(GAA):c.2800-15CT[2]

Gene: GAA (alpha glucosidase; plus strand). Cytogenetic location: 17q25.3.
Variant type: Microsatellite.
Coding change: c.2800-15CT[2] on transcript NM_000152.5 (MANE Select); two copies in a row of the 2-base unit CT starting at c.2800-15; the reference has four copies in a row; two copies, 4 bases deleted.
Molecular consequence: intron variant.
Genome position (GRCh38, 1-based): chr17:80,119,261-80,119,264, CTCT deleted; deleting any 4 consecutive bases within chr17:80,119,257-80,119,264 gives the same sequence; the position shown is the placement nearest the transcript's 3' end. VCF-style (leftmost placement, unchanged base first): chr17-80119256-GCTCT-G. GRCh37 (hg19) VCF-style: chr17-78093055-GCTCT-G.
Other names: c.2800-15CT[2] (NM_001406741.1, NM_001406742.1, NM_001079803.3 and 1 more transcripts).
Identifiers: ClinVar variation 3346941 (VCV003346941.1).

ClinVar aggregate classification (germline): Uncertain significance (0 of 4 stars; one submission).

Conditions:
GAA-related disorder. Also called: GAA-related condition.

Submission:

PreventionGenetics, part of Exact Sciences
Classification: Uncertain significance for GAA-related condition. Last evaluated: 2024-08-26. Review status: no assertion criteria provided. Collection method: clinical testing. Allele origin: germline.
Comment: The GAA c.2800-11_2800-8delCTCT variant is predicted to result in an intronic deletion. This variant is predicted to alter splicing based on available splicing prediction programs (SpliceAI, Jaganathan et al. 2019. PubMed ID: 30661751). To our knowledge, this variant has not been reported in the literature or in gnomAD, indicating this variant is rare. At this time, the clinical significance of this variant is uncertain due to the absence of conclusive functional and genetic evidence.